The following is an entry in ClinVar:

ClinVar aggregate classification (germline): Uncertain significance (1 of 4 stars; one submission).

Conditions:
Hereditary cancer-predisposing syndrome. Also called: Neoplastic Syndromes, Hereditary; Tumor predisposition; Hereditary Cancer Syndrome; Hereditary neoplastic syndrome. Identifiers: Orphanet 140162, MedGen C0027672, MeSH D009386, MONDO:0015356.

Submission:

Ambry Genetics
Classification: Uncertain significance for Hereditary cancer-predisposing syndrome. Last evaluated: 2025-12-07. Review status: criteria provided, single submitter. Criteria: Ambry Variant Classification Scheme 2023. Collection method: clinical testing. Allele origin: germline.
Comment: The p.A356P variant (also known as c.1066G>C), located in coding exon 9 of the POT1 gene, results from a G to C substitution at nucleotide position 1066. The alanine at codon 356 is replaced by proline, an amino acid with highly similar properties. This amino acid position is conserved. In addition, this alteration is predicted to be tolerated by in silico analysis. Based on the available evidence, the clinical significance of this variant remains unclear.

NM_015450.3(POT1):c.1066G>C (p.Ala356Pro)

Gene: POT1 (protection of telomeres 1; minus strand). Cytogenetic location: 7q31.33.
Variant type: single nucleotide variant.
Coding change: c.1066G>C on transcript NM_015450.3 (MANE Select); coding-DNA position 1066, G replaced by C.
Protein change: p.Ala356Pro; replaces alanine 356 with proline.
Molecular consequence: missense variant. On other transcripts: non-coding transcript variant (3).
Genome position (GRCh38, 1-based): chr7:124,842,904, C>G on the plus strand (G>C on the coding strand, the complement: POT1 is on the minus strand). VCF-style: chr7-124842904-C-G. GRCh37 (hg19) VCF-style: chr7-124482958-C-G.
Other names: c.673G>C, p.Ala225Pro (NM_001042594.2); short protein forms A225P, A356P.
Identifiers: ClinVar variation 4673893 (VCV004673893.1).
Genomic context (GRCh38, chr7:124,842,904, plus strand): 5'-GAAATAGTCTTCTGGGCTTATATGACCTCAATTTTGCTCGGATGCGGTATTGTTGAGGAG[C>G]TTTTTGTTTCAAAATGGCACATAGTGGTGTCCTCTCCAAATACTGATGATCTGTAAGTAC-3'
Protein context (NP_056265.2, residues 346-366): TPLCAILKQK[Ala356Pro]PQQYRIRAKL